The following is an entry in ClinVar:

NM_001378778.1(MPDZ):c.3131G>A (p.Arg1044Gln)

Gene: MPDZ (multiple PDZ domain crumbs cell polarity complex component; minus strand). Cytogenetic location: 9p23.
Variant type: single nucleotide variant.
Coding change: c.3131G>A on transcript NM_001378778.1 (MANE Select); coding-DNA position 3131, G replaced by A.
Protein change: p.Arg1044Gln; replaces arginine 1044 with glutamine.
Molecular consequence: missense variant.
Genome position (GRCh38, 1-based): chr9:13,168,489, C>T on the plus strand (G>A on the coding strand, the complement: MPDZ is on the minus strand). VCF-style: chr9-13168489-C-T. GRCh37 (hg19) VCF-style: chr9-13168488-C-T.
Other names: c.3131G>A (NM_003829.3); c.3131G>A, p.Arg1044Gln (NM_001261406.2, NM_001261407.2, NM_001330637.2 and 14 more transcripts); short protein forms R1044Q.
Identifiers: ClinVar variation 1029759 (VCV001029759.6), dbSNP rs374370475, ClinGen allele CA4987244.
Genomic context (GRCh38, chr9:13,168,489, plus strand): 5'-CTGATGGTAGACTCTTCATTAATGGACAAGATGCAGTCCCCAATGGCAATCCGGCCATCT[C>T]GACTAATGGCACCTCCATGAATAATGCTTCGAACGATCATCCCCAAGCCATCTTTATTAG-3'
Protein context (NP_001365707.1, residues 1034-1054): RSIIHGGAIS[Arg1044Gln]DGRIAIGDCI

ClinVar aggregate classification (germline): Uncertain significance. Review status: criteria provided, multiple submitters, no conflicts (2 of 4 stars). 4 submissions from 4 submitters: Uncertain significance (4). Last evaluated 2025-10-22.

Conditions:
MPDZ-related disorder. Also called: MPDZ-related condition.
Inborn genetic diseases. Identifiers: MedGen C0950123, MeSH D030342.
Hydrocephalus, nonsyndromic, autosomal recessive 2. Also called: Hydrocephalus, congenital, 2, with or without brain or eye anomalies. Identifiers: Orphanet 2185, MedGen C3554691, MONDO:0014085, OMIM 615219.

Allele frequency attached by ClinVar (database versions not stated): gnomAD exomes 0.00002 and 0.00003; ExAC 0.00003; ESP Exome Variant Server 0.00008; 1000 Genomes Project 30x 0.00016; gnomAD 0.00016; 1000 Genomes Project 0.00020; TOPMed 0.00022.
gnomAD v4.1: 46 of 1,613,398 alleles (0.0029%); highest among the groups gnomAD compares: African/African-American, 0.048%; no homozygotes.

Submissions (4):

PreventionGenetics, part of Exact Sciences
Classification: Uncertain significance for MPDZ-related condition. Last evaluated: 2025-10-22. Review status: criteria provided, single submitter. Criteria: ACMG Guidelines, 2015. Collection method: clinical testing. Allele origin: germline.
Comment: The MPDZ c.3131G>A variant is predicted to result in the amino acid substitution p.Arg1044Gln. To our knowledge, this variant has not been reported in the literature. This variant is reported in 0.050% of alleles in individuals of African descent in gnomAD. At this time, the clinical significance of this variant is uncertain due to the absence of conclusive functional and genetic evidence.

Ambry Genetics
Classification: Uncertain significance for Inborn genetic diseases. Last evaluated: 2025-09-25. Review status: criteria provided, single submitter. Criteria: Ambry Variant Classification Scheme 2023. Collection method: clinical testing. Allele origin: germline.

Labcorp Genetics (formerly Invitae), Labcorp
Classification: Uncertain significance. Last evaluated: 2022-11-01. Review status: criteria provided, single submitter. Criteria: Invitae Variant Classification Sherloc (09022015). Collection method: clinical testing. Allele origin: germline.
Comment: This sequence change replaces arginine, which is basic and polar, with glutamine, which is neutral and polar, at codon 1044 of the MPDZ protein (p.Arg1044Gln). This variant is present in population databases (rs374370475, gnomAD 0.05%). This variant has not been reported in the literature in individuals affected with MPDZ-related conditions. ClinVar contains an entry for this variant (Variation ID: 1029759). Algorithms developed to predict the effect of missense changes on protein structure and function (SIFT, PolyPhen-2, Align-GVGD) all suggest that this variant is likely to be disruptive. In summary, the available evidence is currently insufficient to determine the role of this variant in disease. Therefore, it has been classified as a Variant of Uncertain Significance.

Baylor Genetics
Classification: Uncertain significance for Hydrocephalus, nonsyndromic, autosomal recessive 2. Last evaluated: 2020-09-04. Review status: criteria provided, single submitter. Criteria: ACMG Guidelines, 2015. Collection method: clinical testing. Allele origin: unknown. Affected: yes.
Comment: This variant was determined to be of uncertain significance according to ACMG Guidelines, 2015 [PMID:25741868].